The following is an entry in ClinVar:

ClinVar aggregate classification (germline): Pathogenic. Review status: criteria provided, multiple submitters, no conflicts (2 of 4 stars). 3 submissions from 3 submitters: Pathogenic (3). Last evaluated 2025-11-25.

Conditions:
Hereditary breast ovarian cancer syndrome. Also called: Hereditary breast and ovarian cancer syndrome (HBOC); Hereditary breast and ovarian cancer; Hereditary breast and/or ovarian cancer syndrome; Hereditary breast and ovarian cancer syndrome; Breast and ovarian cancer; BRCA1- and BRCA2-Associated Hereditary Breast and Ovarian Cancer. Identifiers: Orphanet 145, MedGen C0677776, MeSH D061325, MONDO:0003582. Disease mechanism: loss of function.
Hereditary cancer-predisposing syndrome. Also called: Neoplastic Syndromes, Hereditary; Tumor predisposition; Hereditary neoplastic syndrome; Hereditary Cancer Syndrome. Identifiers: Orphanet 140162, MedGen C0027672, MeSH D009386, MONDO:0015356.

Submissions (3):

Labcorp Genetics (formerly Invitae), Labcorp
Classification: Pathogenic for Hereditary breast ovarian cancer syndrome. Last evaluated: 2025-11-25. Review status: criteria provided, single submitter. Criteria: Invitae Variant Classification Sherloc (09022015). Collection method: clinical testing. Allele origin: germline.
Comment: This sequence change creates a premature translational stop signal (p.Glu1559Argfs*15) in the BRCA1 gene. It is expected to result in an absent or disrupted protein product. Loss-of-function variants in BRCA1 are known to be pathogenic (PMID: 20104584). This variant is not present in population databases (gnomAD no frequency). This variant has not been reported in the literature in individuals affected with BRCA1-related conditions. ClinVar contains an entry for this variant (Variation ID: 838793). For these reasons, this variant has been classified as Pathogenic.

Mayo Clinic Laboratories, Mayo Clinic
Classification: Pathogenic. Last evaluated: 2023-08-29. Review status: criteria provided, single submitter. Criteria: ACMG Guidelines, 2015. Collection method: clinical testing. Allele origin: germline. Observed: 1 variant allele.
Comment: PM2, PM5_strong, PVS1

Ambry Genetics
Classification: Pathogenic for Hereditary cancer-predisposing syndrome. Last evaluated: 2023-07-20. Review status: criteria provided, single submitter. Criteria: Ambry Variant Classification Scheme 2023. Collection method: clinical testing. Allele origin: germline.
Comment: The c.4674dupA pathogenic mutation, located in coding exon 13 of the BRCA1 gene, results from a duplication of A at nucleotide position 4674, causing a translational frameshift with a predicted alternate stop codon (p.E1559Rfs*15). This variant is considered to be rare based on population cohorts in the Genome Aggregation Database (gnomAD). This alteration is expected to result in loss of function by premature protein truncation or nonsense-mediated mRNA decay. As such, this alteration is interpreted as a disease-causing mutation.

Literature cited by the submitters: PubMed 20104584 (cited by Labcorp Genetics (formerly Invitae), Labcorp).

NM_007294.4(BRCA1):c.4674dup (p.Glu1559fs)

Gene: BRCA1 (BRCA1 DNA repair associated; minus strand). Cytogenetic location: 17q21.31.
Variant type: Duplication.
Coding change: c.4674dup on transcript NM_007294.4 (MANE Select); coding-DNA position 4674, one base duplicated (A; older notation c.4674dupA).
Protein change: p.Glu1559fs; shifts the reading frame from glutamic acid 1559.
Molecular consequence: frameshift variant. On other transcripts: non-coding transcript variant (1).
Genome position (GRCh38, 1-based): chr17:43,074,332, T duplicated on the plus strand (A on the coding strand, the reverse complement: BRCA1 is on the minus strand). VCF-style (leftmost placement, unchanged base first): chr17-43074331-C-CT. GRCh37 (hg19) VCF-style: chr17-41226348-C-CT.
Other names: p.Glu1559Argfs*15; c.4671dup, p.Glu1558Argfs (NM_001407614.1, NM_001407615.1, NM_001407616.1 and 17 more transcripts); c.4668dup, p.Glu1557Argfs (NM_001407634.1, NM_001407635.1, NM_001407636.1 and 14 more transcripts); c.4662dup, p.Glu1555Argfs (NM_001407646.1); c.4659dup, p.Glu1554Argfs (NM_001407647.1); c.4617dup, p.Glu1540Argfs (NM_001407648.1); c.4614dup, p.Glu1539Argfs (NM_001407649.1); c.4674dup, p.Glu1559Argfs (NM_001407652.1, NM_001407593.1, NM_001407594.1 and 8 more transcripts); and 73 more; short protein forms E1580fs, E1512fs, E1559fs, E455fs.
Identifiers: ClinVar variation 838793 (VCV000838793.12), dbSNP rs2052585246, ClinGen allele CA916080203.